The following is an entry in ClinVar:

ClinVar aggregate classification (germline): Likely benign (1 of 4 stars; one submission).

Conditions:
ACBD5-related disorder. Also called: ACBD5-related condition.

gnomAD v4.1: 4 of 1,614,010 alleles (0.00025%); highest among the groups gnomAD compares: Non-Finnish European, 0.00034%; no homozygotes.

Submission:

PreventionGenetics, part of Exact Sciences
Classification: Likely benign for ACBD5-related condition. Last evaluated: 2026-06-18. Review status: criteria provided, single submitter. Criteria: ACMG Guidelines, 2015. Collection method: clinical testing. Allele origin: germline.
Comment: This variant is classified as likely benign based on ACMG/AMP sequence variant interpretation guidelines (Richards et al. 2015 PMID: 25741868, with internal and published modifications).

NM_145698.5(ACBD5):c.181+9G>A

Genes: ACBD5 (acyl-CoA binding domain containing 5; minus strand), LOC130003557 (ATAC-STARR-seq lymphoblastoid active region 3182; plus strand). Cytogenetic location: 10p12.1.
Variant type: single nucleotide variant.
Coding change: c.181+9G>A on transcript NM_145698.5 (MANE Select); 9 bases into the intron after coding-DNA position 181, G replaced by A.
Molecular consequence: intron variant.
Genome position (GRCh38, 1-based): chr10:27,240,310, C>T on the plus strand (G>A on the coding strand, the complement: ACBD5 is on the minus strand). VCF-style: chr10-27240310-C-T. GRCh37 (hg19) VCF-style: chr10-27529239-C-T.
Other names: c.181+9G>A (NM_001352570.1, NM_001352588.1, NM_001352573.1 and 2 more transcripts); c.-26+9G>A (NM_001301253.2, NM_001301251.2, NM_001352583.1 and 4 more transcripts); c.76+9G>A (NM_001352580.2, NM_001352577.2, NM_001352575.2 and 6 more transcripts); c.202+9G>A (NM_001352572.1, NM_001352568.1); c.175+9G>A (NM_001352587.1, NM_001271512.3, NM_001352586.1 and 1 more transcripts).
Identifiers: ClinVar variation 4994451 (VCV004994451.1).